The following is an entry in ClinVar:

NM_005245.4(FAT1):c.3770G>A (p.Arg1257Gln)

Gene: FAT1 (FAT atypical cadherin 1; minus strand). Cytogenetic location: 4q35.2.
Variant type: single nucleotide variant.
Coding change: c.3770G>A on transcript NM_005245.4 (MANE Select); coding-DNA position 3770, G replaced by A.
Protein change: p.Arg1257Gln; replaces arginine 1257 with glutamine.
Molecular consequence: missense variant.
Genome position (GRCh38, 1-based): chr4:186,636,787, C>T on the plus strand (G>A on the coding strand, the complement: FAT1 is on the minus strand). VCF-style: chr4-186636787-C-T. GRCh37 (hg19) VCF-style: chr4-187557941-C-T.
Other names: short protein forms R1257Q.
Identifiers: ClinVar variation 1685117 (VCV001685117.3), dbSNP rs188188069, ClinGen allele CA3166914.
Genomic context (GRCh38, chr4:186,636,787, plus strand): 5'-GTGGCTATGACGTGATAGAGCGGCTCCCGTCTGGCATTTCTTTCTCGGTCTGGCTTTTCC[C>T]GCTCAGGGAGTCTGATTTTGTAGAACTTTTGCAGAAACTGAGGTTTGTTGTCATTTTCAT-3'
Protein context (NP_005236.2, residues 1247-1267): QKFYKIRLPE[Arg1257Gln]EKPDRERNAR

ClinVar aggregate classification (germline): Conflicting classifications of pathogenicity. Review status: criteria provided, conflicting classifications (1 of 4 stars). 2 submissions from 2 submitters: Uncertain significance (1); Benign (1). Last evaluated 2025-04-24.

Allele frequency attached by ClinVar (database versions not stated): 1000 Genomes Project 30x 0.00047; TOPMed 0.00012; 1000 Genomes Project 0.00040.
gnomAD v4.1: 132 of 1,613,938 alleles (0.0082%); highest among the groups gnomAD compares: East Asian, 0.14%; no homozygotes.

Submissions (2):

Labcorp Genetics (formerly Invitae), Labcorp
Classification: Uncertain significance. Last evaluated: 2025-04-24. Review status: criteria provided, single submitter. Criteria: Invitae Variant Classification Sherloc (09022015). Collection method: clinical testing. Allele origin: germline.
Comment: This sequence change replaces arginine, which is basic and polar, with glutamine, which is neutral and polar, at codon 1257 of the FAT1 protein (p.Arg1257Gln). This variant is present in population databases (rs188188069, gnomAD 0.2%). This variant has not been reported in the literature in individuals affected with FAT1-related conditions. ClinVar contains an entry for this variant (Variation ID: 1685117). An algorithm developed to predict the effect of missense changes on protein structure and function (PolyPhen-2) suggests that this variant is likely to be disruptive. In summary, the available evidence is currently insufficient to determine the role of this variant in disease. Therefore, it has been classified as a Variant of Uncertain Significance.

Mendelics
Classification: Benign. Last evaluated: 2022-05-04. Review status: criteria provided, single submitter. Criteria: Mendelics Assertion Criteria 2019. Collection method: clinical testing. Allele origin: germline.